The following is an entry in ClinVar:

NM_001317778.2(SFTPC):c.417A>C (p.Arg139Ser)

Gene: SFTPC (surfactant protein C; plus strand). Cytogenetic location: 8p21.3.
Variant type: single nucleotide variant.
Coding change: c.417A>C on transcript NM_001317778.2 (MANE Select); coding-DNA position 417, A replaced by C.
Protein change: p.Arg139Ser; replaces arginine 139 with serine.
Molecular consequence: missense variant.
Genome position (GRCh38, 1-based): chr8:22,163,528, A>C. VCF-style: chr8-22163528-A-C. GRCh37 (hg19) VCF-style: chr8-22021041-A-C.
Other names: c.417A>C, p.Arg139Ser (NM_001172357.2, NM_001172410.2, NM_001317780.2 and 1 more transcripts); c.258A>C, p.Arg86Ser (NM_001317779.2); short protein forms R139S, R86S.
Identifiers: ClinVar variation 452102 (VCV000452102.3), dbSNP rs1554476290, ClinGen allele CA370537900.
Genomic context (GRCh38, chr8:22,163,528, plus strand): 5'-CTGCTGCTACATCATGAAGATAGCTCCAGAGAGCATCCCCAGTCTTGAGGCTCTCACTAG[A>C]AAAGTCCACAACTTCCAGGTGTGTGTGTGTGGGTGAAAAGAGTGGGCTGTCTCCCTCCCA-3'
Protein context (NP_001304707.1, residues 129-149): ESIPSLEALT[Arg139Ser]KVHNFQAKPA

ClinVar aggregate classification (germline): Uncertain significance (1 of 4 stars; one submission).

Submission:

GeneDx
Classification: Uncertain significance. Last evaluated: 2020-05-19. Review status: criteria provided, single submitter. Criteria: GeneDx Variant Classification Process June 2021. Collection method: clinical testing. Allele origin: germline. Affected: yes.
Comment: Not observed in large population cohorts (Lek et al., 2016); In silico analysis supports that this missense variant has a deleterious effect on protein structure/function; Has not been previously published as pathogenic or benign to our knowledge